The following is an entry in ClinVar:

ClinVar aggregate classification (germline): Conflicting classifications of pathogenicity. Review status: criteria provided, conflicting classifications (1 of 4 stars). 5 submissions from 5 submitters: Uncertain significance (3); Likely benign (1). 1 of the submissions does not count toward it. Last evaluated 2026-09-14.

Conditions:
CDH23-related disorder. Also called: CDH23-related disorders; CDH23-related condition.
Usher syndrome type 1 (USH1). Also called: RETINITIS PIGMENTOSA AND CONGENITAL DEAFNESS. Identifiers: Orphanet 231169, Orphanet 886, MedGen C1568247, MONDO:0010168, OMIM 276900.

Allele frequency attached by ClinVar (database versions not stated): gnomAD exomes 0.00012; ExAC 0.00015; 1000 Genomes Project 30x 0.00016; 1000 Genomes Project 0.00020; TOPMed 0.00045; gnomAD 0.00047 and 0.00050; ESP Exome Variant Server 0.00098.
gnomAD v4.1: 122 of 1,586,062 alleles (0.0077%); highest among the groups gnomAD compares: African/African-American, 0.15%; no homozygotes.

Submissions (5):

PreventionGenetics, part of Exact Sciences
Classification: Uncertain significance for CDH23-related condition. Last evaluated: 2026-09-14. Review status: criteria provided, single submitter. Criteria: ACMG Guidelines, 2015. Collection method: clinical testing. Allele origin: germline.
Comment: The CDH23 c.9335T>C variant is predicted to result in the amino acid substitution p.Ile3112Thr. To our knowledge, this variant has not been reported in the literature. This variant is reported in 0.14% of alleles in individuals of African descent in gnomAD, which may be too frequent to be a primary cause of disease. Although we suspect that this variant may be benign, at this time, the clinical significance of this variant is uncertain due to the absence of conclusive functional and genetic evidence.

Labcorp Genetics (formerly Invitae), Labcorp
Classification: Likely benign. Last evaluated: 2026-01-12. Review status: criteria provided, single submitter. Criteria: Invitae Variant Classification Sherloc (09022015). Collection method: clinical testing. Allele origin: germline.

Blueprint Genetics
Classification: Uncertain significance. Last evaluated: 2023-06-20. Review status: criteria provided, single submitter. Criteria: ACMG Guidelines, 2015. Collection method: clinical testing. Allele origin: germline.

Breakthrough Genomics
Classification: Uncertain significance. Review status: criteria provided, single submitter. Criteria: ACMG Guidelines, 2015. Collection method: not provided. Allele origin: germline. Inheritance: Autosomal recessive inheritance. Affected: yes.

Natera, Inc.
Classification: Uncertain significance for Usher syndrome type 1. Last evaluated: 2020-02-13. Review status: no assertion criteria provided. Collection method: clinical testing. Allele origin: germline. Not counted in ClinVar's aggregate classification.

NM_022124.6(CDH23):c.9335T>C (p.Ile3112Thr)

Gene: CDH23 (cadherin related 23; plus strand). Cytogenetic location: 10q22.1.
Variant type: single nucleotide variant.
Coding change: c.9335T>C on transcript NM_022124.6 (MANE Select); coding-DNA position 9335, T replaced by C.
Protein change: p.Ile3112Thr; replaces isoleucine 3112 with threonine.
Molecular consequence: missense variant. On other transcripts: 5 prime UTR variant (2).
Genome position (GRCh38, 1-based): chr10:71,811,970, T>C. VCF-style: chr10-71811970-T-C. GRCh37 (hg19) VCF-style: chr10-73571727-T-C.
Other names: c.2615T>C, p.Ile872Thr (NM_001171933.1, NM_001171934.1); c.-322T>C (NM_001171935.1, NM_001171936.1); short protein forms I3112T, I872T.
Identifiers: ClinVar variation 964664 (VCV000964664.12), dbSNP rs201359237, ClinGen allele CA5546990.